The following is an entry in ClinVar:

NM_000064.4(C3):c.157G>A (p.Val53Ile)

Gene: C3 (complement C3; minus strand). Cytogenetic location: 19p13.3.
Variant type: single nucleotide variant.
Coding change: c.157G>A on transcript NM_000064.4 (MANE Select); coding-DNA position 157, G replaced by A.
Protein change: p.Val53Ile; replaces valine 53 with isoleucine.
Molecular consequence: missense variant.
Genome position (GRCh38, 1-based): chr19:6,719,321, C>T on the plus strand (G>A on the coding strand, the complement: C3 is on the minus strand). VCF-style: chr19-6719321-C-T. GRCh37 (hg19) VCF-style: chr19-6719332-C-T.
Other names: short protein forms V53I.
Identifiers: ClinVar variation 3652020 (VCV003652020.2).

ClinVar aggregate classification (germline): Uncertain significance (1 of 4 stars; one submission).

gnomAD v4.1: 1 of 1,614,026 alleles (0.000062%); highest among the groups gnomAD compares: African/African-American, 0.0013%; no homozygotes.

Submission:

Labcorp Genetics (formerly Invitae), Labcorp
Classification: Uncertain significance. Last evaluated: 2025-09-29. Review status: criteria provided, single submitter. Criteria: Invitae Variant Classification Sherloc (09022015). Collection method: clinical testing. Allele origin: germline.
Comment: This sequence change replaces valine, which is neutral and non-polar, with isoleucine, which is neutral and non-polar, at codon 53 of the C3 protein (p.Val53Ile). This variant is not present in population databases (gnomAD no frequency). This variant has not been reported in the literature in individuals affected with C3-related conditions. ClinVar contains an entry for this variant (Variation ID: 3652020). Invitae Evidence Modeling of protein sequence and biophysical properties (such as structural, functional, and spatial information, amino acid conservation, physicochemical variation, residue mobility, and thermodynamic stability) indicates that this missense variant is not expected to disrupt C3 protein function with a negative predictive value of 80%. In summary, the available evidence is currently insufficient to determine the role of this variant in disease. Therefore, it has been classified as a Variant of Uncertain Significance.